The following is an entry in ClinVar:

NM_005045.4(RELN):c.4905G>A (p.Met1635Ile)

Gene: RELN (reelin; minus strand). Cytogenetic location: 7q22.1.
Variant type: single nucleotide variant.
Coding change: c.4905G>A on transcript NM_005045.4 (MANE Select); coding-DNA position 4905, G replaced by A.
Protein change: p.Met1635Ile; replaces methionine 1635 with isoleucine.
Molecular consequence: missense variant.
Genome position (GRCh38, 1-based): chr7:103,566,255, C>T on the plus strand (G>A on the coding strand, the complement: RELN is on the minus strand). VCF-style: chr7-103566255-C-T. GRCh37 (hg19) VCF-style: chr7-103206702-C-T.
Other names: c.4905G>A, p.Met1635Ile (NM_173054.3); short protein forms M1635I.
Identifiers: ClinVar variation 1439879 (VCV001439879.7), dbSNP rs1423049871, ClinGen allele CA368747740.

ClinVar aggregate classification (germline): Uncertain significance (1 of 4 stars; one submission).

Conditions:
Familial temporal lobe epilepsy 7. Identifiers: Orphanet 101046, MedGen C4225327, MONDO:0014639, OMIM 616436.
Norman-Roberts syndrome (LIS2). Also called: Lissencephaly 2 (Norman-Roberts type). Identifiers: Orphanet 89844, MedGen C0796089, MONDO:0009760, OMIM 257320.

Allele frequency attached by ClinVar (database versions not stated): gnomAD exomes below 0.00001 and 0.00001; TOPMed below 0.00001.

Submission:

Labcorp Genetics (formerly Invitae), Labcorp
Classification: Uncertain significance for Familial temporal lobe epilepsy 7; Norman-Roberts syndrome. Last evaluated: 2023-10-18. Review status: criteria provided, single submitter. Criteria: Invitae Variant Classification Sherloc (09022015). Collection method: clinical testing. Allele origin: germline.
Comment: This sequence change replaces methionine, which is neutral and non-polar, with isoleucine, which is neutral and non-polar, at codon 1635 of the RELN protein (p.Met1635Ile). This variant is present in population databases (no rsID available, gnomAD 0.003%). This variant has not been reported in the literature in individuals affected with RELN-related conditions. ClinVar contains an entry for this variant (Variation ID: 1439879). Advanced modeling of protein sequence and biophysical properties (such as structural, functional, and spatial information, amino acid conservation, physicochemical variation, residue mobility, and thermodynamic stability) performed at Invitae indicates that this missense variant is not expected to disrupt RELN protein function. Algorithms developed to predict the effect of sequence changes on RNA splicing suggest that this variant may create or strengthen a splice site. In summary, the available evidence is currently insufficient to determine the role of this variant in disease. Therefore, it has been classified as a Variant of Uncertain Significance.